The following is an entry in ClinVar:

ClinVar aggregate classification (germline): Likely benign (1 of 4 stars; one submission).

Conditions:
Ellis-van Creveld syndrome (EVC). Also called: EVC-Related Ellis-van Creveld Syndrome; EVC2-Related Ellis-van Creveld Syndrome; MESOECTODERMAL DYSPLASIA; Chondroectodermal dysplasia. Identifiers: Orphanet 289, MedGen C0013903, MONDO:0009162, OMIM 225500.

Allele frequency attached by ClinVar (database versions not stated): 1000 Genomes Project 0.00060; gnomAD 0.00063 and 0.00071.
gnomAD v4.1: 96 of 166,622 alleles (0.058%); highest among the groups gnomAD compares: African/African-American, 0.23%; no homozygotes.

Submission:

Illumina Laboratory Services, Illumina
Classification: Likely benign for Ellis-van Creveld syndrome. Last evaluated: 2018-01-13. Review status: criteria provided, single submitter. Criteria: ICSL Variant Classification Criteria 13 December 2019. Collection method: clinical testing. Allele origin: germline.
Comment: This variant was observed in the ICSL laboratory as part of a predisposition screen in an ostensibly healthy population. It had not been previously curated by ICSL or reported in the Human Gene Mutation Database (HGMD: prior to June 1st, 2018), and was therefore a candidate for classification through an automated scoring system. Utilizing variant allele frequency, disease prevalence and penetrance estimates, and inheritance mode, an automated score was calculated to assess if this variant is too frequent to cause the disease. Based on the score and internal cut-off values, a variant classified as likely benign is not then subjected to further curation. The score for this variant resulted in a classification of likely benign for this disease.

NM_153717.3(EVC):c.*994C>T

Gene: EVC (EvC ciliary complex subunit 1; plus strand). Cytogenetic location: 4p16.2.
Variant type: single nucleotide variant.
Coding change: c.*994C>T on transcript NM_153717.3 (MANE Select); 994 bases downstream of the stop codon, C replaced by T.
Molecular consequence: 3 prime UTR variant.
Genome position (GRCh38, 1-based): chr4:5,812,031, C>T. VCF-style: chr4-5812031-C-T. GRCh37 (hg19) VCF-style: chr4-5813758-C-T.
Other names: c.*994C>T (NM_001306090.2).
Identifiers: ClinVar variation 905380 (VCV000905380.4), dbSNP rs547970729, ClinGen allele CA91729357.